The following is an entry in ClinVar:

NM_147127.5(EVC2):c.880_889del (p.His294fs)

Gene: EVC2 (EvC ciliary complex subunit 2; minus strand). Cytogenetic location: 4p16.2.
Variant type: Deletion.
Coding change: c.880_889del on transcript NM_147127.5 (MANE Select); coding-DNA positions 880 to 889, 10 bases deleted (CACCACGGCC; older notation c.880_889delCACCACGGCC).
Protein change: p.His294fs; shifts the reading frame from histidine 294.
Molecular consequence: frameshift variant.
Genome position (GRCh38, 1-based): chr4:5,665,631-5,665,640, GGCCGTGGTG deleted on the plus strand (CACCACGGCC on the coding strand, the reverse complement: EVC2 is on the minus strand). VCF-style (leftmost placement, unchanged base first): chr4-5665630-AGGCCGTGGTG-A. GRCh37 (hg19) VCF-style: chr4-5667357-AGGCCGTGGTG-A.
Other names: c.640_649del, p.His214fs (NM_001166136.2); short protein forms H214fs, H294fs.
Identifiers: ClinVar variation 5013617 (VCV005013617.1).

ClinVar aggregate classification (germline): Pathogenic (1 of 4 stars; one submission).

Conditions:
Ellis-van Creveld syndrome (EVC). Also called: MESOECTODERMAL DYSPLASIA; Chondroectodermal dysplasia. Identifiers: Orphanet 289, MedGen C0013903, MONDO:0009162, OMIM 225500.

Submission:

Myriad Genetics, Inc.
Classification: Pathogenic for Ellis-van Creveld syndrome. Last evaluated: 2024-10-05. Review status: criteria provided, single submitter. Criteria: Myriad Autosomal Dominant, Autosomal Recessive and X-Linked Classification Criteria (2023). Collection method: clinical testing. Allele origin: unknown.
Comment: NM_147127.4(EVC2):c.880_889del10(H294Sfs*16) is expected to be pathogenic in the context of EVC2-related Ellis-van Creveld syndrome. This variant is predicted to lead to an abnormal or absent protein product due to the creation of a premature termination codon in EVC2, a gene where loss-of-function variants are known to be pathogenic. Please note: this variant was assessed in the context of healthy population screening.